The following is an entry in ClinVar:

ClinVar aggregate classification (germline): Uncertain significance (1 of 4 stars; one submission).

Submission:

GeneDx
Classification: Uncertain significance. Last evaluated: 2024-04-30. Review status: criteria provided, single submitter. Criteria: GeneDx Variant Classification Process June 2021. Collection method: clinical testing. Allele origin: germline. Affected: yes.
Comment: Not observed at significant frequency in large population cohorts (gnomAD); In silico analysis supports that this missense variant has a deleterious effect on protein structure/function; Has not been previously published as pathogenic or benign to our knowledge

NM_000426.4(LAMA2):c.230C>T (p.Pro77Leu)

Gene: LAMA2 (laminin subunit alpha 2; plus strand). Cytogenetic location: 6q22.33.
Variant type: single nucleotide variant.
Coding change: c.230C>T on transcript NM_000426.4 (MANE Select); coding-DNA position 230, C replaced by T.
Protein change: p.Pro77Leu; replaces proline 77 with leucine.
Molecular consequence: missense variant.
Genome position (GRCh38, 1-based): chr6:129,050,035, C>T. VCF-style: chr6-129050035-C-T. GRCh37 (hg19) VCF-style: chr6-129371180-C-T.
Other names: c.230C>T, p.Pro77Leu (NM_001079823.2); short protein forms P77L.
Identifiers: ClinVar variation 3373153 (VCV003373153.1).